The following is an entry in ClinVar:

ClinVar aggregate classification (germline): Likely benign. Review status: criteria provided, single submitter (1 of 4 stars). 2 submissions from 2 submitters: Likely benign (1). 1 of the submissions does not count toward it. Last evaluated 2026-01-19.

Conditions:
COL18A1-related disorder. Also called: COL18A1-related condition; COL18A1-related disorders.

Allele frequency attached by ClinVar (database versions not stated): TOPMed 0.00002; ExAC 0.00003; gnomAD 0.00003; gnomAD exomes 0.00003.
gnomAD v4.1: 43 of 1,612,944 alleles (0.0027%); highest among the groups gnomAD compares: East Asian, 0.04%; no homozygotes.

Submissions (2):

Labcorp Genetics (formerly Invitae), Labcorp
Classification: Likely benign. Last evaluated: 2026-01-19. Review status: criteria provided, single submitter. Criteria: Invitae Variant Classification Sherloc (09022015). Collection method: clinical testing. Allele origin: germline.

PreventionGenetics, part of Exact Sciences
Classification: Likely benign for COL18A1-related condition. Last evaluated: 2019-04-22. Review status: no assertion criteria provided. Collection method: clinical testing. Allele origin: germline. Not counted in ClinVar's aggregate classification.
Comment: This variant is classified as likely benign based on ACMG/AMP sequence variant interpretation guidelines (Richards et al. 2015 PMID: 25741868, with internal and published modifications).

NM_001379500.1(COL18A1):c.2379+8G>A

Gene: COL18A1 (collagen type XVIII alpha 1 chain; plus strand). Cytogenetic location: 21q22.3.
Variant type: single nucleotide variant.
Coding change: c.2379+8G>A on transcript NM_001379500.1 (MANE Select); 8 bases into the intron after coding-DNA position 2379, G replaced by A.
Molecular consequence: intron variant.
Genome position (GRCh38, 1-based): chr21:45,494,579, G>A. VCF-style: chr21-45494579-G-A. GRCh37 (hg19) VCF-style: chr21-46914493-G-A.
Other names: c.2919+8G>A (NM_030582.3, NM_030582.4); c.3624+8G>A (NM_130444.3).
Identifiers: ClinVar variation 1960492 (VCV001960492.7), dbSNP rs771216968, ClinGen allele CA10067030.